The following is an entry in ClinVar:

NM_000702.4(ATP1A2):c.2563+2T>C

Gene: ATP1A2 (ATPase Na+/K+ transporting subunit alpha 2; plus strand). Cytogenetic location: 1q23.2.
Variant type: single nucleotide variant.
Coding change: c.2563+2T>C on transcript NM_000702.4 (MANE Select); the canonical splice donor site of the intron after coding-DNA position 2563, T replaced by C.
Molecular consequence: splice donor variant.
Genome position (GRCh38, 1-based): chr1:160,136,372, T>C. VCF-style: chr1-160136372-T-C. GRCh37 (hg19) VCF-style: chr1-160106162-T-C.
Identifiers: ClinVar variation 1064213 (VCV001064213.7), dbSNP rs775008062, ClinGen allele CA1194772.

ClinVar aggregate classification (germline): Likely pathogenic (1 of 4 stars; one submission).

Conditions:
Familial hemiplegic migraine. Identifiers: MedGen C0338484, MONDO:0000700.

Allele frequency attached by ClinVar (database versions not stated): gnomAD exomes below 0.00001; ExAC 0.00001; TOPMed 0.00002; gnomAD 0.00003.
gnomAD v4.1: 5 of 1,613,878 alleles (0.00031%); highest among the groups gnomAD compares: African/African-American, 0.0067%; no homozygotes.

Submission:

Labcorp Genetics (formerly Invitae), Labcorp
Classification: Likely pathogenic for Familial hemiplegic migraine. Last evaluated: 2022-09-19. Review status: criteria provided, single submitter. Criteria: Invitae Variant Classification Sherloc (09022015). Collection method: clinical testing. Allele origin: germline.
Comment: In summary, the currently available evidence indicates that the variant is pathogenic, but additional data are needed to prove that conclusively. Therefore, this variant has been classified as Likely Pathogenic. Algorithms developed to predict the effect of sequence changes on RNA splicing suggest that this variant may disrupt the consensus splice site. ClinVar contains an entry for this variant (Variation ID: 1064213). This variant has not been reported in the literature in individuals affected with ATP1A2-related conditions. This variant is present in population databases (rs775008062, gnomAD 0.007%). This sequence change affects a donor splice site in intron 18 of the ATP1A2 gene. It is expected to disrupt RNA splicing. Variants that disrupt the donor or acceptor splice site typically lead to a loss of protein function (PMID: 16199547), and loss-of-function variants in ATP1A2 are known to be pathogenic (PMID: 30690204).

Literature cited by the submitters: PubMed 16199547; PubMed 30690204.